The following is an entry in ClinVar:

NM_000294.3(PHKG2):c.83A>T (p.Asp28Val)

Gene: PHKG2 (phosphorylase kinase catalytic subunit gamma 2; plus strand). Cytogenetic location: 16p11.2.
Variant type: single nucleotide variant.
Coding change: c.83A>T on transcript NM_000294.3 (MANE Select); coding-DNA position 83, A replaced by T.
Protein change: p.Asp28Val; replaces aspartic acid 28 with valine.
Molecular consequence: missense variant.
Genome position (GRCh38, 1-based): chr16:30,748,903, A>T. VCF-style: chr16-30748903-A-T. GRCh37 (hg19) VCF-style: chr16-30760224-A-T.
Other names: c.83A>T, p.Asp28Val (NM_001172432.2); short protein forms D28V.
Identifiers: ClinVar variation 318932 (VCV000318932.8), dbSNP rs777228104, ClinGen allele CA8013022.

ClinVar aggregate classification (germline): Uncertain significance. Review status: criteria provided, multiple submitters, no conflicts (2 of 4 stars). 2 submissions from 2 submitters: Uncertain significance (2). Last evaluated 2022-10-17.

Conditions:
Inborn genetic diseases. Identifiers: MedGen C0950123, MeSH D030342.
Glycogen storage disease IXc (GSD9C). Also called: GSD IXc. Identifiers: Orphanet 264580, MedGen C2751643, MONDO:0013091, OMIM 613027.

Allele frequency attached by ClinVar (database versions not stated): ExAC 0.00005; TOPMed 0.00005; gnomAD exomes 0.00008 and 0.00011; gnomAD 0.00009.
gnomAD v4.1: 163 of 1,553,076 alleles (0.01%); highest among the groups gnomAD compares: Non-Finnish European, 0.014%; no homozygotes.

Submissions (2):

Labcorp Genetics (formerly Invitae), Labcorp
Classification: Uncertain significance for Glycogen storage disease IXc. Last evaluated: 2022-10-17. Review status: criteria provided, single submitter. Criteria: Invitae Variant Classification Sherloc (09022015). Collection method: clinical testing. Allele origin: germline.
Comment: This sequence change replaces aspartic acid, which is acidic and polar, with valine, which is neutral and non-polar, at codon 28 of the PHKG2 protein (p.Asp28Val). This variant is present in population databases (rs777228104, gnomAD 0.02%). This variant has not been reported in the literature in individuals affected with PHKG2-related conditions. ClinVar contains an entry for this variant (Variation ID: 318932). Advanced modeling of protein sequence and biophysical properties (such as structural, functional, and spatial information, amino acid conservation, physicochemical variation, residue mobility, and thermodynamic stability) performed at Invitae indicates that this missense variant is not expected to disrupt PHKG2 protein function. In summary, the available evidence is currently insufficient to determine the role of this variant in disease. Therefore, it has been classified as a Variant of Uncertain Significance.

Ambry Genetics
Classification: Uncertain significance for Inborn genetic diseases. Last evaluated: 2021-11-01. Review status: criteria provided, single submitter. Criteria: Ambry Variant Classification Scheme 2023. Collection method: clinical testing. Allele origin: germline.